The following is an entry in ClinVar:

NM_000133.4(F9):c.8G>A (p.Arg3His)

Gene: F9 (coagulation factor IX; plus strand). Cytogenetic location: Xq27.1.
Variant type: single nucleotide variant.
Coding change: c.8G>A on transcript NM_000133.4 (MANE Select); coding-DNA position 8, G replaced by A.
Protein change: p.Arg3His; replaces arginine 3 with histidine.
Molecular consequence: missense variant.
Genome position (GRCh38, 1-based): chrX:139,530,772, G>A. VCF-style: chrX-139530772-G-A. GRCh37 (hg19) VCF-style: chrX-138612931-G-A.
Other names: NM_000133.4(F9):c.8G>A; p.Arg3His; c.8G>A, p.Arg3His (NM_001313913.2); short protein forms R3H.
Identifiers: ClinVar variation 695909 (VCV000695909.50), dbSNP rs148060786, ClinGen allele CA10529706.

ClinVar aggregate classification (germline): Benign. Review status: reviewed by expert panel (3 of 4 stars). 9 submissions from 9 submitters: Benign (1). 8 of the submissions do not count toward it. Last evaluated 2024-02-09.

Conditions:
Thrombophilia, X-linked, due to factor 9 defect. Identifiers: MedGen C2749016, MONDO:0010432, OMIM 300807.
Hereditary factor IX deficiency disease (HEMB). Also called: Hemophilia B; Christmas Disease; F9 DEFICIENCY; FACTOR IX DEFICIENCY; PLASMA THROMBOPLASTIN COMPONENT DEFICIENCY. Identifiers: Orphanet 98879, MedGen C0008533, MeSH D002836, MONDO:0010604, OMIM 306900.
Warfarin sensitivity, X-linked. Also called: COUMARIN SENSITIVITY, X-LINKED. Identifiers: MedGen C5393318, OMIM 301052, MONDO:0026768.
F9-related disorder. Also called: F9-related condition.

Allele frequency attached by ClinVar (database versions not stated): gnomAD exomes 0.00024; ExAC 0.00029; gnomAD 0.00039 and 0.00042; 1000 Genomes Project 30x 0.00042; 1000 Genomes Project 0.00053; TOPMed 0.00054; ESP Exome Variant Server 0.00057.
gnomAD v4.1: 185 of 1,208,214 alleles (0.015%); highest among the groups gnomAD compares: African/African-American, 0.14%; 2 homozygotes.

Submissions (9):

ClinGen Coagulation Factor Deficiency Variant Curation Expert Panel, Clingen
Classification: Benign for Hereditary factor IX deficiency disease. Last evaluated: 2024-02-09. Review status: reviewed by expert panel. Criteria: ClinGen CoagFactor ACMG Specifications F9 V1.0.0. Collection method: curation. Allele origin: germline. Inheritance: X-linked inheritance.
Comment: The c.8G>A (p.Arg3His) variant is reported at an MAF of 0.001469 (28/19065 alleles) in the African/African American population in gnomAD v2.1.1 with 8 hemizygotes, meeting BA1 criteria of MAF > 0.0000556. gnomAD v3.1.1 reports 13 hemizygotes. REVEL score does not meet thresholds for PP3 or BP4. In summary, this variant meets criteria to be classified as benign. ACMG/AMP criteria applied, as specified by the Coagulation Factor Deficiency Variant Curation Expert Panel for F9: BA1.

Labcorp Genetics (formerly Invitae), Labcorp
Classification: Benign for Thrombophilia, X-linked, due to factor 9 defect; Hereditary factor IX deficiency disease. Last evaluated: 2026-01-26. Review status: criteria provided, single submitter. Criteria: Invitae Variant Classification Sherloc (09022015). Collection method: clinical testing. Allele origin: germline. Not counted in ClinVar's aggregate classification.

Mayo Clinic Laboratories, Mayo Clinic
Classification: Benign. Last evaluated: 2025-08-07. Review status: criteria provided, single submitter. Criteria: ACMG Guidelines, 2015. Collection method: clinical testing. Allele origin: germline. Observed: 1 variant allele. Not counted in ClinVar's aggregate classification.
Comment: BA1, BP6

CeGaT Center for Human Genetics Tuebingen
Classification: Likely benign. Last evaluated: 2025-04-01. Review status: criteria provided, single submitter. Criteria: CeGaT Center For Human Genetics Tuebingen Variant Classification Criteria Version 2. Collection method: clinical testing. Allele origin: germline. Affected: yes. Observed: 2 variant alleles. Not counted in ClinVar's aggregate classification.
Comment: F9: BP4, BS2

Women's Health and Genetics/Laboratory Corporation of America, LabCorp
Classification: Likely benign. Last evaluated: 2022-05-12. Review status: criteria provided, single submitter. Criteria: LabCorp Variant Classification Summary - May 2015. Collection method: clinical testing. Allele origin: germline. Not counted in ClinVar's aggregate classification.
Comment: Variant summary: F9 c.8G>A (p.Arg3His) results in a non-conservative amino acid change in the encoded protein sequence. Four of five in-silico tools predict a benign effect of the variant on protein function. The variant allele was found at a frequency of 0.00024 in 183043 control chromosomes including 15 hemizygous males. This frequency is not significantly higher than estimated for a pathogenic variant in F9 causing Factor IX Deficiency (Hemophilia B) (0.00024 vs 0.0065), allowing no conclusion about variant significance. To our knowledge, no penetrant association of c.8G>A in individuals affected with Factor IX Deficiency (Hemophilia B) and no experimental evidence demonstrating its impact on protein function have been reported. Four clinical diagnostic laboratories have submitted clinical-significance assessments for this variant to ClinVar after 2014 without evidence for independent evaluation and a majority consensus as benign/likely benign. Based on the evidence outlined above, the variant was classified as likely benign.

Fulgent Genetics
Classification: Likely benign for Thrombophilia, X-linked, due to factor 9 defect; Warfarin sensitivity, X-linked; Hereditary factor IX deficiency disease. Last evaluated: 2022-04-29. Review status: criteria provided, single submitter. Criteria: ACMG Guidelines, 2015. Collection method: clinical testing. Allele origin: unknown. Not counted in ClinVar's aggregate classification.

ARUP Laboratories, Molecular Genetics and Genomics, ARUP Laboratories
Classification: Likely benign. Last evaluated: 2021-03-08. Review status: criteria provided, single submitter. Criteria: ARUP Molecular Germline Variant Investigation Process 2021. Collection method: clinical testing. Allele origin: germline. Not counted in ClinVar's aggregate classification.

PreventionGenetics, part of Exact Sciences
Classification: Likely benign for F9-related condition. Last evaluated: 2023-03-27. Review status: no assertion criteria provided. Collection method: clinical testing. Allele origin: germline. Not counted in ClinVar's aggregate classification.
Comment: This variant is classified as likely benign based on ACMG/AMP sequence variant interpretation guidelines (Richards et al. 2015 PMID: 25741868, with internal and published modifications).

Natera, Inc.
Classification: Likely benign for Hemophilia B. Last evaluated: 2019-10-31. Review status: no assertion criteria provided. Collection method: clinical testing. Allele origin: germline. Not counted in ClinVar's aggregate classification.